The following is an entry in ClinVar:

ClinVar aggregate classification (germline): Uncertain significance (1 of 4 stars; one submission).

Conditions:
Kleefstra syndrome 1 (KLEFS1). Identifiers: Orphanet 261494, MedGen C0795833, MONDO:0027407, OMIM 610253.

Submission:

Labcorp Genetics (formerly Invitae), Labcorp
Classification: Uncertain significance for Kleefstra syndrome 1. Last evaluated: 2022-09-12. Review status: criteria provided, single submitter. Criteria: Invitae Variant Classification Sherloc (09022015). Collection method: clinical testing. Allele origin: germline.
Comment: This variant results in a copy number gain of the genomic region encompassing exon(s) 1 of the EHMT1 gene. This region includes the initiator codon of the gene. This copy number gain extends beyond the assayed region for this gene and therefore may encompass additional genes. As the precise location of this event is unknown, it may be in tandem or it may be located elsewhere in the genome. This variant has not been reported in the literature in individuals affected with EHMT1-related conditions. Experimental studies and prediction algorithms are not available or were not evaluated, and the functional significance of this variant is currently unknown. In summary, the available evidence is currently insufficient to determine the role of this variant in disease. Therefore, it has been classified as a Variant of Uncertain Significance.

NC_000009.11:g.(?_140513481)_(140513521_?)dup

Gene: EHMT1 (euchromatic histone lysine methyltransferase 1; plus strand). Cytogenetic location: 9q34.3.
Variant type: Duplication.
Identifiers: ClinVar variation 2426887 (VCV002426887.1).